The following is an entry in ClinVar:

NM_000540.3(RYR1):c.6738C>T (p.Asn2246=)

Gene: RYR1 (ryanodine receptor 1; plus strand). Cytogenetic location: 19q13.2.
Variant type: single nucleotide variant.
Coding change: c.6738C>T on transcript NM_000540.3 (MANE Select); coding-DNA position 6738, C replaced by T.
Protein change: p.Asn2246=; no amino-acid change (asparagine 2246 retained).
Molecular consequence: synonymous variant.
Genome position (GRCh38, 1-based): chr19:38,496,483, C>T. VCF-style: chr19-38496483-C-T. GRCh37 (hg19) VCF-style: chr19-38987123-C-T.
Other names: c.6738C>T, p.Asn2246= (NM_001042723.2).
Identifiers: ClinVar variation 2774219 (VCV002774219.3), dbSNP rs1969832717, ClinGen allele CA507353675.

ClinVar aggregate classification (germline): Likely benign. Review status: criteria provided, multiple submitters, no conflicts (2 of 4 stars). 2 submissions from 2 submitters: Likely benign (2). Last evaluated 2023-10-23.

Conditions:
Malignant hyperthermia, susceptibility to, 1 (MHS1). Also called: Malignant hyperthermia suceptibility 1; Anesthesia related hyperthermia; Malignant hyperpyrexia; Fulminating hyperpyrexia; Pharmacogenic myopathy; RYR1-Related Malignant Hyperthermia Susceptibility. Identifiers: Orphanet 423, MedGen C2930980, MONDO:0007783, OMIM 145600.

Allele frequency attached by ClinVar (database versions not stated): gnomAD exomes below 0.00001.
gnomAD v4.1: 2 of 1,613,684 alleles (0.00012%); highest among the groups gnomAD compares: East Asian, 0.0045%; no homozygotes.

Submissions (2):

All of Us Research Program, National Institutes of Health
Classification: Likely benign for Malignant hyperthermia, susceptibility to, 1. Last evaluated: 2023-10-23. Review status: criteria provided, single submitter. Criteria: ACMG Guidelines, 2015. Collection method: clinical testing. Allele origin: germline. Inheritance: Autosomal dominant inheritance. Observed: 1 variant allele, 1 heterozygote.
Comment: This study involves interpretation of variants in research participants for the purpose of population health screening. Participant phenotype was not available at the time of variant classification. Additional details can be found in publication PMID: 35346344, PMCID: PMC8962531

Color Diagnostics, LLC DBA Color Health
Classification: Likely benign for Malignant hyperthermia, susceptibility to, 1. Last evaluated: 2023-08-23. Review status: criteria provided, single submitter. Criteria: ACMG Guidelines, 2015. Collection method: clinical testing. Allele origin: germline.